The following is an entry in ClinVar:

NM_015267.4(CUX2):c.2102G>A (p.Arg701His)

Gene: CUX2 (cut like homeobox 2; plus strand). Cytogenetic location: 12q24.12.
Variant type: single nucleotide variant.
Coding change: c.2102G>A on transcript NM_015267.4 (MANE Select); coding-DNA position 2102, G replaced by A.
Protein change: p.Arg701His; replaces arginine 701 with histidine.
Molecular consequence: missense variant.
Genome position (GRCh38, 1-based): chr12:111,320,111, G>A. VCF-style: chr12-111320111-G-A. GRCh37 (hg19) VCF-style: chr12-111757915-G-A.
Other names: c.1916G>A, p.Arg639His (NM_001370598.1); short protein forms R701H, R639H.
Identifiers: ClinVar variation 2598450 (VCV002598450.6), dbSNP rs944926366, ClinGen allele CA243578174.

ClinVar aggregate classification (germline): Uncertain significance. Review status: criteria provided, multiple submitters, no conflicts (2 of 4 stars). 2 submissions from 2 submitters: Uncertain significance (2). Last evaluated 2026-01-01.

Conditions:
Inborn genetic diseases. Identifiers: MedGen C0950123, MeSH D030342.

Allele frequency attached by ClinVar (database versions not stated): gnomAD exomes 0.00001; TOPMed 0.00002; gnomAD 0.00004.

Submissions (2):

CeGaT Center for Human Genetics Tuebingen
Classification: Uncertain significance. Last evaluated: 2026-01-01. Review status: criteria provided, single submitter. Criteria: CeGaT Center For Human Genetics Tuebingen Variant Classification Criteria Version 2. Collection method: clinical testing. Allele origin: germline. Affected: yes. Observed: 1 variant allele.
Comment: CUX2: PM2

Ambry Genetics
Classification: Uncertain significance for Inborn genetic diseases. Last evaluated: 2023-08-01. Review status: criteria provided, single submitter. Criteria: Ambry Variant Classification Scheme 2023. Collection method: clinical testing. Allele origin: germline.